The following is an entry in ClinVar:

ClinVar aggregate classification (germline): Uncertain significance (1 of 4 stars; one submission).

Conditions:
Hereditary cancer-predisposing syndrome. Also called: Hereditary Cancer Syndrome; Neoplastic Syndromes, Hereditary; Tumor predisposition; Hereditary neoplastic syndrome. Identifiers: Orphanet 140162, MedGen C0027672, MeSH D009386, MONDO:0015356.

Submission:

Ambry Genetics
Classification: Uncertain significance for Hereditary cancer-predisposing syndrome. Last evaluated: 2025-10-16. Review status: criteria provided, single submitter. Criteria: Ambry Variant Classification Scheme 2023. Collection method: clinical testing. Allele origin: germline.
Comment: The p.L2005P variant (also known as c.6014T>C), located in coding exon 40 of the ATM gene, results from a T to C substitution at nucleotide position 6014. The leucine at codon 2005 is replaced by proline, an amino acid with similar properties. This amino acid position is conserved. In addition, the in silico prediction for this alteration is inconclusive. Based on the available evidence, the clinical significance of this variant remains unclear.

NM_000051.4(ATM):c.6014T>C (p.Leu2005Pro)

Genes: ATM (ATM serine/threonine kinase; plus strand), C11orf65 (chromosome 11 open reading frame 65; minus strand). Cytogenetic location: 11q22.3.
Variant type: single nucleotide variant.
Coding change: c.6014T>C on transcript NM_000051.4 (MANE Select); coding-DNA position 6014, T replaced by C.
Protein change: p.Leu2005Pro; replaces leucine 2005 with proline.
Molecular consequence: missense variant. On other transcripts: intron variant (2).
Genome position (GRCh38, 1-based): chr11:108,315,830, T>C. VCF-style: chr11-108315830-T-C. GRCh37 (hg19) VCF-style: chr11-108186557-T-C.
Other names: c.6014T>C, p.Leu2005Pro (NM_001351834.2); c.641-6759A>G (NM_001330368.2); c.*39-6759A>G (NM_001351110.2); short protein forms L2005P.
Identifiers: ClinVar variation 4617789 (VCV004617789.1).